The following is an entry in ClinVar:

ClinVar aggregate classification (germline): Uncertain significance. Review status: criteria provided, multiple submitters, no conflicts (2 of 4 stars). 2 submissions from 2 submitters: Uncertain significance (2). Last evaluated 2026-07-03.

Conditions:
Inborn genetic diseases. Identifiers: MedGen C0950123, MeSH D030342.
Fanconi anemia (FA). Also called: Fanconi's anemia. Identifiers: Orphanet 84, MedGen C0015625, MeSH D005199, MONDO:0019391.

Submissions (2):

Ambry Genetics
Classification: Uncertain significance for Inborn genetic diseases. Last evaluated: 2026-07-03. Review status: criteria provided, single submitter. Criteria: Ambry Variant Classification Scheme 2023. Collection method: clinical testing. Allele origin: germline.
Comment: The p.S935N variant (also known as c.2804G>A), located in coding exon 14 of the FANCM gene, results from a G to A substitution at nucleotide position 2804. The serine at codon 935 is replaced by asparagine, an amino acid with highly similar properties. This amino acid position is conserved. In addition, this alteration is predicted to be tolerated by in silico analysis. Based on the available evidence, the clinical significance of this variant remains unclear.

Labcorp Genetics (formerly Invitae), Labcorp
Classification: Uncertain significance for Fanconi anemia. Last evaluated: 2024-09-16. Review status: criteria provided, single submitter. Criteria: Invitae Variant Classification Sherloc (09022015). Collection method: clinical testing. Allele origin: germline.
Comment: This sequence change replaces serine, which is neutral and polar, with asparagine, which is neutral and polar, at codon 935 of the FANCM protein (p.Ser935Asn). This variant is not present in population databases (gnomAD no frequency). This variant has not been reported in the literature in individuals affected with FANCM-related conditions. ClinVar contains an entry for this variant (Variation ID: 1473526). An algorithm developed to predict the effect of missense changes on protein structure and function outputs the following: PolyPhen-2: "Benign". The asparagine amino acid residue is found in multiple mammalian species, which suggests that this missense change does not adversely affect protein function. In summary, the available evidence is currently insufficient to determine the role of this variant in disease. Therefore, it has been classified as a Variant of Uncertain Significance.

NM_020937.4(FANCM):c.2804G>A (p.Ser935Asn)

Gene: FANCM (FA complementation group M; plus strand). Cytogenetic location: 14q21.2.
Variant type: single nucleotide variant.
Coding change: c.2804G>A on transcript NM_020937.4 (MANE Select); coding-DNA position 2804, G replaced by A.
Protein change: p.Ser935Asn; replaces serine 935 with asparagine.
Molecular consequence: missense variant.
Genome position (GRCh38, 1-based): chr14:45,175,558, G>A. VCF-style: chr14-45175558-G-A. GRCh37 (hg19) VCF-style: chr14-45644761-G-A.
Other names: c.2726G>A, p.Ser909Asn (NM_001308133.2); c.2804G>A (NM_020937.2); short protein forms S935N, S909N.
Identifiers: ClinVar variation 1473526 (VCV001473526.7), dbSNP rs1888621670, ClinGen allele CA389599216.